The following is an entry in ClinVar:

NM_000321.3(RB1):c.1870T>G (p.Ser624Ala)

Gene: RB1 (RB transcriptional corepressor 1; plus strand). Cytogenetic location: 13q14.2.
Variant type: single nucleotide variant.
Coding change: c.1870T>G on transcript NM_000321.3 (MANE Select); coding-DNA position 1870, T replaced by G.
Protein change: p.Ser624Ala; replaces serine 624 with alanine.
Molecular consequence: missense variant.
Genome position (GRCh38, 1-based): chr13:48,456,259, T>G. VCF-style: chr13-48456259-T-G. GRCh37 (hg19) VCF-style: chr13-49030395-T-G.
Other names: c.1870T>G, p.Ser624Ala (NM_001407165.1); short protein forms S624A.
Identifiers: ClinVar variation 3313079 (VCV003313079.1).

ClinVar aggregate classification (germline): Uncertain significance (1 of 4 stars; one submission).

Conditions:
Hereditary cancer-predisposing syndrome. Also called: Neoplastic Syndromes, Hereditary; Tumor predisposition; Hereditary neoplastic syndrome; Hereditary Cancer Syndrome. Identifiers: Orphanet 140162, MedGen C0027672, MeSH D009386, MONDO:0015356.

Submission:

Ambry Genetics
Classification: Uncertain significance for Hereditary cancer-predisposing syndrome. Last evaluated: 2024-06-21. Review status: criteria provided, single submitter. Criteria: Ambry Variant Classification Scheme 2023. Collection method: clinical testing. Allele origin: germline.
Comment: The p.S624A variant (also known as c.1870T>G), located in coding exon 19 of the RB1 gene, results from a T to G substitution at nucleotide position 1870. The serine at codon 624 is replaced by alanine, an amino acid with similar properties. This amino acid position is conserved. In addition, this alteration is predicted to be tolerated by in silico analysis. Based on the available evidence, the clinical significance of this variant remains unclear.